The following is an entry in ClinVar:

ClinVar aggregate classification (germline): Uncertain significance. Review status: criteria provided, multiple submitters, no conflicts (2 of 4 stars). 3 submissions from 3 submitters: Uncertain significance (3). Last evaluated 2025-04-23.

Conditions:
Hereditary cancer-predisposing syndrome. Also called: Neoplastic Syndromes, Hereditary; Tumor predisposition; Hereditary neoplastic syndrome; Hereditary Cancer Syndrome. Identifiers: Orphanet 140162, MedGen C0027672, MeSH D009386, MONDO:0015356.
Retinoblastoma (RB1). Also called: RETINOBLASTOMA, SOMATIC. Identifiers: Orphanet 790, MedGen C0035335, MeSH D012175, MONDO:0008380, OMIM 180200, HP:0009919. Disease mechanism: loss of function. Inheritance: Both sporadic and heritable forms are tested..

Allele frequency attached by ClinVar (database versions not stated): gnomAD exomes below 0.00001 and 0.00001; TOPMed 0.00001; ExAC 0.00002.
gnomAD v4.1: 4 of 1,612,706 alleles (0.00025%); highest among the groups gnomAD compares: East Asian, 0.0089%; no homozygotes.

Submissions (3):

Ambry Genetics
Classification: Uncertain significance for Hereditary cancer-predisposing syndrome. Last evaluated: 2025-04-23. Review status: criteria provided, single submitter. Criteria: Ambry Variant Classification Scheme 2023. Collection method: clinical testing. Allele origin: germline.
Comment: The p.S215P variant (also known as c.643T>C), located in coding exon 7 of the RB1 gene, results from a T to C substitution at nucleotide position 643. The serine at codon 215 is replaced by proline, an amino acid with similar properties. This variant was identified in 1/292 individuals with breast cancer (Xie Y et al. Clin Genet, 2018 Jan;93:41-51). This amino acid position is highly conserved in available vertebrate species. In addition, this alteration is predicted to be deleterious by in silico analysis. Based on the available evidence, the clinical significance of this variant remains unclear.

Labcorp Genetics (formerly Invitae), Labcorp
Classification: Uncertain significance for Retinoblastoma. Last evaluated: 2024-11-13. Review status: criteria provided, single submitter. Criteria: Invitae Variant Classification Sherloc (09022015). Collection method: clinical testing. Allele origin: germline.
Comment: This sequence change replaces serine, which is neutral and polar, with proline, which is neutral and non-polar, at codon 215 of the RB1 protein (p.Ser215Pro). This variant is present in population databases (rs748923368, gnomAD 0.02%). This missense change has been observed in individual(s) with breast cancer (PMID: 28580595). ClinVar contains an entry for this variant (Variation ID: 826406). Invitae Evidence Modeling of protein sequence and biophysical properties (such as structural, functional, and spatial information, amino acid conservation, physicochemical variation, residue mobility, and thermodynamic stability) has been performed for this missense variant. However, the output from this modeling did not meet the statistical confidence thresholds required to predict the impact of this variant on RB1 protein function. In summary, the available evidence is currently insufficient to determine the role of this variant in disease. Therefore, it has been classified as a Variant of Uncertain Significance.

GeneDx
Classification: Uncertain significance. Last evaluated: 2023-10-29. Review status: criteria provided, single submitter. Criteria: GeneDx Variant Classification Process June 2021. Collection method: clinical testing. Allele origin: germline. Affected: yes.
Comment: Not observed at significant frequency in large population cohorts (gnomAD); In silico analysis supports that this missense variant has a deleterious effect on protein structure/function; This variant is associated with the following publications: (PMID: 23516486, 28580595, 32091409)

Literature cited by the submitters: PubMed 28580595 (cited by Ambry Genetics and Labcorp Genetics (formerly Invitae), Labcorp).

NM_000321.3(RB1):c.643T>C (p.Ser215Pro)

Gene: RB1 (RB transcriptional corepressor 1; plus strand). Cytogenetic location: 13q14.2.
Variant type: single nucleotide variant.
Coding change: c.643T>C on transcript NM_000321.3 (MANE Select); coding-DNA position 643, T replaced by C.
Protein change: p.Ser215Pro; replaces serine 215 with proline.
Molecular consequence: missense variant.
Genome position (GRCh38, 1-based): chr13:48,360,052, T>C. VCF-style: chr13-48360052-T-C. GRCh37 (hg19) VCF-style: chr13-48934188-T-C.
Other names: short protein forms S215P.
Identifiers: ClinVar variation 826406 (VCV000826406.14), dbSNP rs748923368, ClinGen allele CA039142.
Genomic context (GRCh38, chr13:48,360,052, plus strand): 5'-TTAAAAATGTACATTTTTTTTTCAGGGGAAGTATTACAAATGGAAGATGATCTGGTGATT[T>C]CATTTCAGTTAATGCTATGTGTCCTTGACTATTTTATTAAACTCTCACCTCCCATGTTGC-3'
Protein context (NP_000312.2, residues 205-225): VLQMEDDLVI[Ser215Pro]FQLMLCVLDY